The following is an entry in ClinVar:

NM_014639.4(SKIC3):c.686T>C (p.Met229Thr)

Gene: SKIC3 (SKI3 subunit of superkiller complex; minus strand). Cytogenetic location: 5q15.
Variant type: single nucleotide variant.
Coding change: c.686T>C on transcript NM_014639.4 (MANE Select); coding-DNA position 686, T replaced by C.
Protein change: p.Met229Thr; replaces methionine 229 with threonine.
Molecular consequence: missense variant.
Genome position (GRCh38, 1-based): chr5:95,536,882, A>G on the plus strand (T>C on the coding strand, the complement: SKIC3 is on the minus strand). VCF-style: chr5-95536882-A-G. GRCh37 (hg19) VCF-style: chr5-94872586-A-G.
Other names: short protein forms M229T.
Identifiers: ClinVar variation 1986167 (VCV001986167.1), dbSNP rs780080724, ClinGen allele CA3347552.

ClinVar aggregate classification (germline): Uncertain significance (1 of 4 stars; one submission).

Allele frequency attached by ClinVar (database versions not stated): TOPMed 0.00002; gnomAD 0.00003; gnomAD exomes 0.00003; ExAC 0.00008.
gnomAD v4.1: 54 of 1,613,646 alleles (0.0033%); highest among the groups gnomAD compares: Non-Finnish European, 0.0013%; no homozygotes.

Submission:

Labcorp Genetics (formerly Invitae), Labcorp
Classification: Uncertain significance. Last evaluated: 2022-06-28. Review status: criteria provided, single submitter. Criteria: Invitae Variant Classification Sherloc (09022015). Collection method: clinical testing. Allele origin: germline.
Comment: This sequence change replaces methionine, which is neutral and non-polar, with threonine, which is neutral and polar, at codon 229 of the TTC37 protein (p.Met229Thr). This variant is present in population databases (rs780080724, gnomAD 0.2%). This variant has not been reported in the literature in individuals affected with TTC37-related conditions. Algorithms developed to predict the effect of missense changes on protein structure and function (SIFT, PolyPhen-2, Align-GVGD) all suggest that this variant is likely to be tolerated. In summary, the available evidence is currently insufficient to determine the role of this variant in disease. Therefore, it has been classified as a Variant of Uncertain Significance.